The following is an entry in ClinVar:

ClinVar aggregate classification (germline): Uncertain significance (1 of 4 stars; one submission).

Submission:

GeneDx
Classification: Uncertain significance. Last evaluated: 2020-01-17. Review status: criteria provided, single submitter. Criteria: GeneDx Variant Classification Process June 2021. Collection method: clinical testing. Allele origin: germline. Affected: yes.
Comment: Not observed in large population cohorts (Lek et al., 2016); In silico analysis, which includes protein predictors and evolutionary conservation, supports a deleterious effect; Has not been previously published as pathogenic or benign to our knowledge

NM_001385012.1(NBEA):c.340G>T (p.Asp114Tyr)

Gene: NBEA (neurobeachin; plus strand). Cytogenetic location: 13q13.3.
Variant type: single nucleotide variant.
Coding change: c.340G>T on transcript NM_001385012.1 (MANE Select); coding-DNA position 340, G replaced by T.
Protein change: p.Asp114Tyr; replaces aspartic acid 114 with tyrosine.
Molecular consequence: missense variant.
Genome position (GRCh38, 1-based): chr13:35,040,978, G>T. VCF-style: chr13-35040978-G-T. GRCh37 (hg19) VCF-style: chr13-35615115-G-T.
Other names: c.340G>T, p.Asp114Tyr (NM_001379245.1, NM_015678.5); short protein forms D114Y.
Identifiers: ClinVar variation 1315714 (VCV001315714.2), dbSNP rs760072311, ClinGen allele CA387979069.